The following is an entry in ClinVar:

ClinVar aggregate classification (germline): Uncertain significance (1 of 4 stars; one submission).

Submission:

GeneDx
Classification: Uncertain significance. Last evaluated: 2023-05-15. Review status: criteria provided, single submitter. Criteria: GeneDx Variant Classification Process June 2021. Collection method: clinical testing. Allele origin: germline. Affected: yes.
Comment: Not observed at significant frequency in large population cohorts (gnomAD); In silico analysis supports that this missense variant does not alter protein structure/function; Has not been previously published as pathogenic or benign to our knowledge

NM_000070.3(CAPN3):c.1711C>G (p.Leu571Val)

Gene: CAPN3 (calpain 3; plus strand). Cytogenetic location: 15q15.1.
Variant type: single nucleotide variant.
Coding change: c.1711C>G on transcript NM_000070.3 (MANE Select); coding-DNA position 1711, C replaced by G.
Protein change: p.Leu571Val; replaces leucine 571 with valine.
Molecular consequence: missense variant.
Genome position (GRCh38, 1-based): chr15:42,402,968, C>G. VCF-style: chr15-42402968-C-G. GRCh37 (hg19) VCF-style: chr15-42695166-C-G.
Other names: c.1711C>G, p.Leu571Val (NM_024344.2); c.1567C>G, p.Leu523Val (NM_173087.2); c.175C>G, p.Leu59Val (NM_173088.2); c.*827C>G (NM_212464.2); c.*1404C>G (NM_212467.2); short protein forms L523V, L571V, L59V.
Identifiers: ClinVar variation 2662218 (VCV002662218.1), dbSNP rs2053917447, ClinGen allele CA392000438.